The following is an entry in ClinVar:

NM_001378183.1(PIEZO2):c.7286C>T (p.Thr2429Met)

Gene: PIEZO2 (piezo type mechanosensitive ion channel component 2; minus strand). Cytogenetic location: 18p11.22.
Variant type: single nucleotide variant.
Coding change: c.7286C>T on transcript NM_001378183.1 (MANE Select); coding-DNA position 7286, C replaced by T.
Protein change: p.Thr2429Met; replaces threonine 2429 with methionine.
Molecular consequence: missense variant.
Genome position (GRCh38, 1-based): chr18:10,691,288, G>A on the plus strand (C>T on the coding strand, the complement: PIEZO2 is on the minus strand). VCF-style: chr18-10691288-G-A. GRCh37 (hg19) VCF-style: chr18-10691286-G-A.
Other names: c.6947C>T, p.Thr2316Met (NM_022068.4); short protein forms T2316M, T2429M.
Identifiers: ClinVar variation 720892 (VCV000720892.9), dbSNP rs138499457, ClinGen allele CA8892032.
Genomic context (GRCh38, chr18:10,691,288, plus strand): 5'-TGGAATAAGAAGAGGTTGACGTAATTGTAGCTCTTGGTGAGGAAGTTCCCCAGGACTCGC[G>A]TTGGGTAGCCACAACGGATCTGGTAAGCAGACAACCCGAAGTAAACACATTTCACAAAGT-3'
Protein context (NP_001365112.1, residues 2419-2439): SAYQIRCGYP[Thr2429Met]RVLGNFLTKS

ClinVar aggregate classification (germline): Conflicting classifications of pathogenicity. Review status: criteria provided, conflicting classifications (1 of 4 stars). 2 submissions from 2 submitters: Uncertain significance (1); Benign (1). Last evaluated 2025-12-16.

Allele frequency attached by ClinVar (database versions not stated): gnomAD exomes 0.00005; ESP Exome Variant Server 0.00015; 1000 Genomes Project 0.00020; gnomAD 0.00021; TOPMed 0.00026; 1000 Genomes Project 30x 0.00031.
gnomAD v4.1: 66 of 1,614,070 alleles (0.0041%); highest among the groups gnomAD compares: African/African-American, 0.049%; no homozygotes.

Submissions (2):

Women's Health and Genetics/Laboratory Corporation of America, LabCorp
Classification: Uncertain significance. Last evaluated: 2025-12-16. Review status: criteria provided, single submitter. Criteria: LabCorp Variant Classification Summary - May 2015. Collection method: clinical testing. Allele origin: germline.
Comment: Variant summary: PIEZO2 c.6947C>T (p.Thr2316Met) results in a non-conservative amino acid change in the encoded protein sequence. Algorithms developed to predict the effect of missense changes on protein structure and function are either unavailable or do not agree on the potential impact of this missense change. The variant allele was found at a frequency of 5.2e-05 in 251200 control chromosomes. This frequency is not significantly higher than estimated for disease-causing variants in PIEZO2, allowing no conclusion about variant significance. To our knowledge, no occurrence of c.6947C>T in individuals affected with PIEZO2-related conditions and no experimental evidence demonstrating its impact on protein function have been reported. ClinVar contains an entry for this variant (Variation ID: 720892). Based on the evidence outlined above, the variant was classified as uncertain significance.

Labcorp Genetics (formerly Invitae), Labcorp
Classification: Benign. Last evaluated: 2025-04-09. Review status: criteria provided, single submitter. Criteria: Invitae Variant Classification Sherloc (09022015). Collection method: clinical testing. Allele origin: germline.